The following is an entry in ClinVar:

ClinVar aggregate classification (germline): Uncertain significance (0 of 4 stars; one submission).

Conditions:
G6PC1-related disorder. Also called: G6PC1-related condition.

Submission:

PreventionGenetics, part of Exact Sciences
Classification: Uncertain significance for G6PC1-related condition. Last evaluated: 2024-03-21. Review status: no assertion criteria provided. Collection method: clinical testing. Allele origin: germline.
Comment: The G6PC1 c.281A>G variant is predicted to result in the amino acid substitution p.Tyr94Cys. To our knowledge, this variant has not been reported in the literature or in a large population database, indicating this variant is rare. At this time, the clinical significance of this variant is uncertain due to the absence of conclusive functional and genetic evidence.

NM_000151.4(G6PC1):c.281A>G (p.Tyr94Cys)

Gene: G6PC1 (glucose-6-phosphatase catalytic subunit 1; plus strand). Cytogenetic location: 17q21.31.
Variant type: single nucleotide variant.
Coding change: c.281A>G on transcript NM_000151.4 (MANE Select); coding-DNA position 281, A replaced by G.
Protein change: p.Tyr94Cys; replaces tyrosine 94 with cysteine.
Molecular consequence: missense variant.
Genome position (GRCh38, 1-based): chr17:42,903,981, A>G. VCF-style: chr17-42903981-A-G. GRCh37 (hg19) VCF-style: chr17-41055998-A-G.
Other names: c.281A>G, p.Tyr94Cys (NM_001270397.2); short protein forms Y94C.
Identifiers: ClinVar variation 3349800 (VCV003349800.1).